The following is an entry in ClinVar:

NM_145239.3(PRRT2):c.860C>T (p.Ala287Val)

Genes: MVP-DT (MVP divergent transcript; minus strand), PRRT2 (proline rich transmembrane protein 2; plus strand). Cytogenetic location: 16p11.2.
Variant type: single nucleotide variant.
Coding change: c.860C>T on transcript NM_145239.3 (MANE Select); coding-DNA position 860, C replaced by T.
Protein change: p.Ala287Val; replaces alanine 287 with valine.
Molecular consequence: missense variant.
Genome position (GRCh38, 1-based): chr16:29,813,914, C>T. VCF-style: chr16-29813914-C-T. GRCh37 (hg19) VCF-style: chr16-29825235-C-T.
Other names: c.860C>T, p.Ala287Val (NM_001256442.2, NM_001256443.2); short protein forms A287V.
Identifiers: ClinVar variation 2009433 (VCV002009433.4), dbSNP rs2543336564, ClinGen allele CA395480166.

ClinVar aggregate classification (germline): Uncertain significance (1 of 4 stars; one submission).

Conditions:
Episodic kinesigenic dyskinesia (EKD). Also called: Paroxysmal kinesigenic dyskinesia. Identifiers: Orphanet 98809, MedGen C1868682, MONDO:0044202.

Allele frequency attached by ClinVar (database versions not stated): gnomAD exomes below 0.00001.

Submission:

Labcorp Genetics (formerly Invitae), Labcorp
Classification: Uncertain significance for Episodic kinesigenic dyskinesia. Last evaluated: 2022-06-22. Review status: criteria provided, single submitter. Criteria: Invitae Variant Classification Sherloc (09022015). Collection method: clinical testing. Allele origin: germline.
Comment: Algorithms developed to predict the effect of missense changes on protein structure and function (SIFT, PolyPhen-2, Align-GVGD) all suggest that this variant is likely to be disruptive. This variant has not been reported in the literature in individuals affected with PRRT2-related conditions. This variant is not present in population databases (gnomAD no frequency). This sequence change replaces alanine, which is neutral and non-polar, with valine, which is neutral and non-polar, at codon 287 of the PRRT2 protein (p.Ala287Val). This variant disrupts the p.Ala287 amino acid residue in PRRT2. Other variant(s) that disrupt this residue have been determined to be pathogenic (PMID: 22131361, 25915028, 29801903, 31124310). This suggests that this residue is clinically significant, and that variants that disrupt this residue are likely to be disease-causing. In summary, the available evidence is currently insufficient to determine the role of this variant in disease. Therefore, it has been classified as a Variant of Uncertain Significance.

Literature cited by the submitters: PubMed 22131361; PubMed 25915028; PubMed 29801903; PubMed 31124310.